The following is an entry in ClinVar:

NM_138694.4(PKHD1):c.1877A>G (p.Lys626Arg)

Gene: PKHD1 (PKHD1 ciliary IPT domain containing fibrocystin/polyductin; minus strand). Cytogenetic location: 6p12.2.
Variant type: single nucleotide variant.
Coding change: c.1877A>G on transcript NM_138694.4 (MANE Select); coding-DNA position 1877, A replaced by G.
Protein change: p.Lys626Arg; replaces lysine 626 with arginine.
Molecular consequence: missense variant.
Genome position (GRCh38, 1-based): chr6:52,054,125, T>C on the plus strand (A>G on the coding strand, the complement: PKHD1 is on the minus strand). VCF-style: chr6-52054125-T-C. GRCh37 (hg19) VCF-style: chr6-51918923-T-C.
Other names: p.Lys626Arg; c.1877A>G, p.Lys626Arg (NM_170724.3); short protein forms K626R.
Identifiers: ClinVar variation 188736 (VCV000188736.52), dbSNP rs117122807, ClinGen allele CA201814.
Genomic context (GRCh38, chr6:52,054,125, plus strand): 5'-CAGTCACAGGTGGTATTCTTTACCATGTTTTGAAAGCCGATTGTGAAGGACACAATCATC[T>C]TCAGGATCTTGTTCATGTGGCCTTTGTATGCAAGACACAGCTATGGACACCAAATAAGTC-3'
Protein context (NP_619639.3, residues 616-636): AYKGHMNKIL[Lys626Arg]MIVSFTIGFQ

ClinVar aggregate classification (germline): Benign/Likely benign. Review status: criteria provided, multiple submitters, no conflicts (2 of 4 stars). 10 submissions from 10 submitters: Benign (4); Likely benign (3). 3 of the submissions do not count toward it. Last evaluated 2026-02-02.

Conditions:
Autosomal recessive polycystic kidney disease (ARPKD). Also called: AR polycystic kidney disease. Identifiers: Orphanet 731, Orphanet 8378, MedGen C0085548, MeSH D017044, MONDO:0009889.
Polycystic kidney disease. Also called: Kidney, Polycystic; Polycystic kidney dysplasia. Identifiers: MedGen C0022680, MeSH D007690, MONDO:0020642, HP:0000113.

Allele frequency attached by ClinVar (database versions not stated): gnomAD 0.00080 and 0.00149; TOPMed 0.00153; gnomAD exomes 0.00178 and 0.00284; ExAC 0.00303; 1000 Genomes Project 30x 0.00734; 1000 Genomes Project 0.00859.
gnomAD v4.1: 2,829 of 1,613,880 alleles (0.18%); highest among the groups gnomAD compares: East Asian, 5.6%; 81 homozygotes.

Submissions (10):

Labcorp Genetics (formerly Invitae), Labcorp
Classification: Benign for Autosomal recessive polycystic kidney disease. Last evaluated: 2026-02-02. Review status: criteria provided, single submitter. Criteria: Invitae Variant Classification Sherloc (09022015). Collection method: clinical testing. Allele origin: germline.

Mayo Clinic Laboratories, Mayo Clinic
Classification: Likely benign. Last evaluated: 2025-01-29. Review status: criteria provided, single submitter. Criteria: ACMG Guidelines, 2015. Collection method: clinical testing. Allele origin: germline. Observed: 1 variant allele.
Comment: BS1, BP4_moderate

Blueprint Genetics
Classification: Likely benign. Last evaluated: 2024-11-26. Review status: criteria provided, single submitter. Criteria: ACMG Guidelines, 2015. Collection method: clinical testing. Allele origin: germline.

CeGaT Center for Human Genetics Tuebingen
Classification: Benign. Last evaluated: 2024-03-01. Review status: criteria provided, single submitter. Criteria: CeGaT Center For Human Genetics Tuebingen Variant Classification Criteria Version 2. Collection method: clinical testing. Allele origin: germline. Affected: yes. Observed: 1 variant allele.
Comment: PKHD1: BP4, BS1, BS2

GeneDx
Classification: Benign. Last evaluated: 2020-04-15. Review status: criteria provided, single submitter. Criteria: GeneDx Variant Classification Process June 2021. Collection method: clinical testing. Allele origin: germline. Affected: yes.
Comment: This variant is associated with the following publications: (PMID: 30566001, 28814334, 28578020, 21790888)

Illumina Laboratory Services, Illumina
Classification: Likely benign for Polycystic kidney disease 4. Last evaluated: 2017-04-27. Review status: criteria provided, single submitter. Criteria: ICSL Variant Classification Criteria 13 December 2019. Collection method: clinical testing. Allele origin: germline.
Comment: This variant was observed as part of a predisposition screen in an ostensibly healthy population. A literature search was performed for the gene, cDNA change, and amino acid change (where applicable). Publications were found based on this search. The evidence from the literature, in combination with allele frequency data from public databases where available, was sufficient to determine this variant is unlikely to cause disease. Therefore, this variant is classified as likely benign.

Eurofins Ntd Llc (ga)
Classification: Benign. Last evaluated: 2015-04-15. Review status: criteria provided, single submitter. Criteria: EGL Classification Definitions 2015. Collection method: clinical testing. Allele origin: germline. Observed: 1 variant allele, 1 heterozygote.

Natera, Inc.
Classification: Benign for Autosomal recessive polycystic kidney disease. Last evaluated: 2017-05-11. Review status: no assertion criteria provided. Collection method: clinical testing. Allele origin: germline. Not counted in ClinVar's aggregate classification.

Counsyl
Classification: Benign for Polycystic kidney disease, infantile type. Last evaluated: 2014-03-27. Review status: no assertion criteria provided. Collection method: literature only. Allele origin: unknown. Inheritance: Autosomal recessive inheritance. Not counted in ClinVar's aggregate classification.

Department of Pathology and Laboratory Medicine, Sinai Health System
Classification: Likely benign for Polycystic Kidney disease. Review status: no assertion criteria provided. Collection method: clinical testing. Allele origin: unknown. Affected: yes. Study: The Canadian Open Genetics Repository (COGR). Not counted in ClinVar's aggregate classification.
Comment: Fetal genetic testing was declined, however the father was identified to carry the p.Lys626Arg variant but no additional suspicious variants were identified in the mother or father (Jang 2011). The variant was also identified in dbSNP (ID: rs117122807) â€šÃ„ÃºWith Benign alleleâ€šÃ„Ã¹, ClinVar (classified as benign by Counsyl and Emory Genetics), LOVD 3.0 (unclassified), and the RWTH AAachen University ARPKD database (unclassified) databases, but was not in the Geneinsight-COGR database. The variant was identified in control databases in 734 of 277024 chromosomes (10 homozygous) at a frequency of 0.00265 increasing the likelihood this could be a low frequency benign variant (Genome Aggregation Consortium Feb 27, 2017). The p.Lys626Arg residue is not conserved in mammals and computational analyses (PolyPhen-2, SIFT, AlignGVGD, BLOSUM, MutationTaster) do not suggest a high likelihood of impact to the protein; however, this information is not predictive enough to rule out pathogenicity. The variant occurs outside of the splicing consensus sequence and in silico or computational prediction software programs (SpliceSiteFinder, MaxEntScan, NNSPLICE, GeneSplicer, HumanSpliceFinder) do not predict a difference in splicing. In summary, based on the above information the clinical significance of this variant cannot be determined with certainty at this time although we would lean towards a more benign role for this variant. This variant is classified as likely benign.

Literature cited by the submitters: PubMed 21790888 (cited by 3 submitters); PubMed 28578020 (cited by Mayo Clinic Laboratories, Mayo Clinic); PubMed 28814334 (cited by Mayo Clinic Laboratories, Mayo Clinic); PubMed 31847883 (cited by Mayo Clinic Laboratories, Mayo Clinic).